The following is an entry in ClinVar:

NM_002471.4(MYH6):c.2685+10C>T

Gene: MYH6 (myosin heavy chain 6; minus strand). Cytogenetic location: 14q11.2.
Variant type: single nucleotide variant.
Coding change: c.2685+10C>T on transcript NM_002471.4 (MANE Select); 10 bases into the intron after coding-DNA position 2685, C replaced by T.
Molecular consequence: intron variant.
Genome position (GRCh38, 1-based): chr14:23,394,058, G>A on the plus strand (C>T on the coding strand, the complement: MYH6 is on the minus strand). VCF-style: chr14-23394058-G-A. GRCh37 (hg19) VCF-style: chr14-23863267-G-A.
Identifiers: ClinVar variation 414332 (VCV000414332.25), dbSNP rs202155137, ClinGen allele CA7115410.
Genomic context (GRCh38, chr14:23,394,058, plus strand): 5'-CTGGTTGTGAGATGGGCTATAATCTAGGGGAGGGGAGGAGAGGGCTGAAGAGATAATCAC[G>A]TGGCCTCACCGCCTGCACTTGGAGCTGCAGGTCATTCTTCTCCTGCAGCAGGGACACCAT-3'

ClinVar aggregate classification (germline): Likely benign. Review status: criteria provided, multiple submitters, no conflicts (2 of 4 stars). 10 submissions from 10 submitters: Likely benign (4). 6 of the submissions do not count toward it. Last evaluated 2026-02-02.

Conditions:
MYH6-related disorder. Also called: MYH6-Related Disorders; MYH6-related condition.
Dilated cardiomyopathy 1EE (CMD1EE). Identifiers: Orphanet 154, MedGen C2750466, MONDO:0013198, OMIM 613252.
Atrial septal defect 3 (ASD3). Identifiers: Orphanet 1478, MedGen C3279790, MONDO:0013567, OMIM 614089.
Sick sinus syndrome 3, susceptibility to (SSS3). Identifiers: Orphanet 166282, MedGen C3279791, MONDO:0013568, OMIM 614090.
Hypertrophic cardiomyopathy 14. Identifiers: MedGen C2750467, MONDO:0013197, OMIM 613251.
Hypertrophic cardiomyopathy 1 (CMH1). Also called: MYH7-Related Familial Hypertrophic Cardiomyopathy; Familial hypertrophic cardiomyopathy 1. Identifiers: MedGen C3495498, MONDO:0008647, OMIM 192600.
Cardiomyopathy (CMYO). Also called: Cardiomyopathies. Identifiers: Orphanet 167848, MedGen C0878544, MONDO:0004994, HP:0001638. Inheritance: Various modes of inheritance.

Allele frequency attached by ClinVar (database versions not stated): gnomAD 0.00023 and 0.00024; TOPMed 0.00027; ExAC 0.00028; gnomAD exomes 0.00029 and 0.00045; ESP Exome Variant Server 0.00062.

Submissions (10):

Labcorp Genetics (formerly Invitae), Labcorp
Classification: Likely benign for Hypertrophic cardiomyopathy 14. Last evaluated: 2026-02-02. Review status: criteria provided, single submitter. Criteria: Invitae Variant Classification Sherloc (09022015). Collection method: clinical testing. Allele origin: germline.

Blueprint Genetics
Classification: Likely benign. Last evaluated: 2023-11-14. Review status: criteria provided, single submitter. Criteria: ACMG Guidelines, 2015. Collection method: clinical testing. Allele origin: germline.

Fulgent Genetics
Classification: Likely benign for Hypertrophic cardiomyopathy 1; Hypertrophic cardiomyopathy 14; Dilated cardiomyopathy 1EE; Atrial septal defect 3; Sick sinus syndrome 3, susceptibility to. Last evaluated: 2021-08-12. Review status: criteria provided, single submitter. Criteria: ACMG Guidelines, 2015. Collection method: clinical testing. Allele origin: unknown.

CHEO Genetics Diagnostic Laboratory, Children's Hospital of Eastern Ontario
Classification: Likely benign for Cardiomyopathy. Last evaluated: 2020-07-03. Review status: criteria provided, single submitter. Criteria: ACMG Guidelines, 2015. Collection method: clinical testing. Allele origin: germline.

PreventionGenetics, part of Exact Sciences
Classification: Likely benign for MYH6-related condition. Last evaluated: 2019-11-05. Review status: no assertion criteria provided. Collection method: clinical testing. Allele origin: germline. Not counted in ClinVar's aggregate classification.
Comment: This variant is classified as likely benign based on ACMG/AMP sequence variant interpretation guidelines (Richards et al. 2015 PMID: 25741868, with internal and published modifications).

Clinical Genetics DNA and cytogenetics Diagnostics Lab, Erasmus MC, Erasmus Medical Center
Classification: Likely benign. Review status: no assertion criteria provided. Collection method: clinical testing. Allele origin: germline. Affected: yes. Study: VKGL Data-share Consensus. Not counted in ClinVar's aggregate classification.

Clinical Genetics, Academic Medical Center
Classification: Benign. Review status: no assertion criteria provided. Collection method: clinical testing. Allele origin: germline. Affected: yes. Study: VKGL Data-share Consensus. Not counted in ClinVar's aggregate classification.

Diagnostic Laboratory, Department of Genetics, University Medical Center Groningen
Classification: Likely benign. Review status: no assertion criteria provided. Collection method: clinical testing. Allele origin: germline. Affected: yes. Study: VKGL Data-share Consensus. Not counted in ClinVar's aggregate classification.

Genome Diagnostics Laboratory, University Medical Center Utrecht
Classification: Likely benign. Review status: no assertion criteria provided. Collection method: clinical testing. Allele origin: germline. Affected: yes. Study: VKGL Data-share Consensus. Not counted in ClinVar's aggregate classification.

Joint Genome Diagnostic Labs from Nijmegen and Maastricht, Radboudumc and MUMC+
Classification: Likely benign. Review status: no assertion criteria provided. Collection method: clinical testing. Allele origin: germline. Affected: yes. Study: VKGL Data-share Consensus. Not counted in ClinVar's aggregate classification.